The following is an entry in ClinVar:

ClinVar aggregate classification (germline): Likely benign (0 of 4 stars; one submission).

Conditions:
INVS-related disorder. Also called: INVS-related condition.

Allele frequency attached by ClinVar (database versions not stated): ExAC 0.00001; TOPMed 0.00002.
gnomAD v4.1: 3 of 1,612,630 alleles (0.00019%); highest among the groups gnomAD compares: African/African-American, 0.0027%; no homozygotes.

Submission:

PreventionGenetics, part of Exact Sciences
Classification: Likely benign for INVS-related condition. Last evaluated: 2023-08-29. Review status: no assertion criteria provided. Collection method: clinical testing. Allele origin: germline.
Comment: This variant is classified as likely benign based on ACMG/AMP sequence variant interpretation guidelines (Richards et al. 2015 PMID: 25741868, with internal and published modifications).

NM_014425.5(INVS):c.447+4A>C

Gene: INVS (inversin; plus strand). Cytogenetic location: 9q31.1.
Variant type: single nucleotide variant.
Coding change: c.447+4A>C on transcript NM_014425.5 (MANE Select); 4 bases into the intron after coding-DNA position 447, A replaced by C.
Molecular consequence: intron variant.
Genome position (GRCh38, 1-based): chr9:100,226,239, A>C. VCF-style: chr9-100226239-A-C. GRCh37 (hg19) VCF-style: chr9-102988521-A-C.
Other names: c.159+4A>C (NM_001318381.2); c.-543+4A>C (NM_001318382.2).
Identifiers: ClinVar variation 3046194 (VCV003046194.2), dbSNP rs781529497, ClinGen allele CA5158160.
Genomic context (GRCh38, chr9:100,226,239, plus strand): 5'-GCACTTCTGCTGAAGTTTATGGCACCAGGAGAAGTGGATACACAGGATAAAAACAAGGTA[A>C]TGGATACTCAAAATCAAAGACTAATAAGACCAGAAAGCAAATGCTTCCTTTTATGATGTG-3'